The following is an entry in ClinVar:

ClinVar aggregate classification (germline): Uncertain significance. Review status: criteria provided, multiple submitters, no conflicts (2 of 4 stars). 2 submissions from 2 submitters: Uncertain significance (2). Last evaluated 2023-12-19.

Conditions:
Inborn genetic diseases. Identifiers: MedGen C0950123, MeSH D030342.

Allele frequency attached by ClinVar (database versions not stated): gnomAD 0.00002; gnomAD exomes 0.00002; TOPMed 0.00002; ExAC 0.00004.
gnomAD v4.1: 28 of 1,613,580 alleles (0.0017%); highest among the groups gnomAD compares: African/African-American, 0.0027%; no homozygotes.

Submissions (2):

Ambry Genetics
Classification: Uncertain significance for Inborn genetic diseases. Last evaluated: 2023-12-19. Review status: criteria provided, single submitter. Criteria: Ambry Variant Classification Scheme 2023. Collection method: clinical testing. Allele origin: germline.

Labcorp Genetics (formerly Invitae), Labcorp
Classification: Uncertain significance. Last evaluated: 2022-03-13. Review status: criteria provided, single submitter. Criteria: Invitae Variant Classification Sherloc (09022015). Collection method: clinical testing. Allele origin: germline.
Comment: This sequence change replaces glutamic acid, which is acidic and polar, with lysine, which is basic and polar, at codon 21 of the ADAMTS10 protein (p.Glu21Lys). This variant is present in population databases (rs782380807, gnomAD 0.01%). This variant has not been reported in the literature in individuals affected with ADAMTS10-related conditions. Algorithms developed to predict the effect of missense changes on protein structure and function output the following: SIFT: "Tolerated"; PolyPhen-2: "Benign"; Align-GVGD: "Class C0". The lysine amino acid residue is found in multiple mammalian species, which suggests that this missense change does not adversely affect protein function. In summary, the available evidence is currently insufficient to determine the role of this variant in disease. Therefore, it has been classified as a Variant of Uncertain Significance.

NM_030957.4(ADAMTS10):c.61G>A (p.Glu21Lys)

Gene: ADAMTS10 (ADAM metallopeptidase with thrombospondin type 1 motif 10; minus strand). Cytogenetic location: 19p13.2.
Variant type: single nucleotide variant.
Coding change: c.61G>A on transcript NM_030957.4 (MANE Select); coding-DNA position 61, G replaced by A.
Protein change: p.Glu21Lys; replaces glutamic acid 21 with lysine.
Molecular consequence: missense variant.
Genome position (GRCh38, 1-based): chr19:8,605,650, C>T on the plus strand (G>A on the coding strand, the complement: ADAMTS10 is on the minus strand). VCF-style: chr19-8605650-C-T. GRCh37 (hg19) VCF-style: chr19-8670535-C-T.
Other names: c.61G>A (NM_030957.2); short protein forms E21K.
Identifiers: ClinVar variation 2167567 (VCV002167567.2), dbSNP rs782380807, ClinGen allele CA9160961.